The following is an entry in ClinVar:

NM_000059.4(BRCA2):c.4958C>T (p.Thr1653Ile)

Gene: BRCA2 (BRCA2 DNA repair associated; plus strand). Cytogenetic location: 13q13.1.
Variant type: single nucleotide variant.
Coding change: c.4958C>T on transcript NM_000059.4 (MANE Select); coding-DNA position 4958, C replaced by T.
Protein change: p.Thr1653Ile; replaces threonine 1653 with isoleucine.
Molecular consequence: missense variant.
Genome position (GRCh38, 1-based): chr13:32,339,313, C>T. VCF-style: chr13-32339313-C-T. GRCh37 (hg19) VCF-style: chr13-32913450-C-T.
Other names: short protein forms T1653I.
Identifiers: ClinVar variation 495467 (VCV000495467.3), dbSNP rs1555284004, ClinGen allele CA387783780.
Genomic context (GRCh38, chr13:32,339,313, plus strand): 5'-TCTTTTTGAAAGTTAAAGTACATGAAAATGTAGAAAAAGAAACAGCAAAAAGTCCTGCAA[C>T]TTGTTACACAAATCAGTCCCCTTATTCAGTCATTGAAAATTCAGCCTTAGCTTTTTACAC-3'
Protein context (NP_000050.3, residues 1643-1663): VEKETAKSPA[Thr1653Ile]CYTNQSPYSV

ClinVar aggregate classification (germline): Conflicting classifications of pathogenicity. Review status: criteria provided, conflicting classifications (1 of 4 stars). 2 submissions from 2 submitters: Uncertain significance (1); Likely benign (1). Last evaluated 2023-03-23.

Conditions:
Hereditary cancer-predisposing syndrome. Also called: Hereditary neoplastic syndrome; Tumor predisposition; Hereditary Cancer Syndrome; Neoplastic Syndromes, Hereditary. Identifiers: Orphanet 140162, MedGen C0027672, MeSH D009386, MONDO:0015356.

Submissions (2):

University of Washington Department of Laboratory Medicine, University of Washington
Classification: Likely benign for Hereditary cancer-predisposing syndrome. Last evaluated: 2023-03-23. Review status: criteria provided, single submitter. Criteria: Dines et al. (Genet Med. 2020). Collection method: curation. Allele origin: germline.
Comment: Missense variant in a coldspot region where missense variants are very unlikely to be pathogenic (PMID:31911673).

BRCA2 exon 11 coldspot. Reclassification based on statistical prior probability.

Women's Health and Genetics/Laboratory Corporation of America, LabCorp
Classification: Uncertain significance. Last evaluated: 2016-05-02. Review status: criteria provided, single submitter. Criteria: LabCorp Variant Classification Summary - May 2015. Collection method: clinical testing. Allele origin: germline.
Comment: Variant summary: c.4958C>T (p.Thr1653Ile) in BRCA2 causes a missense change involving a non-conserved nucleotide with 3/5 in silico programs predicting a "benign" outcome, although these predictions have yet to be functionally assessed. The variant of interest was not observed in controls (ExAC, 1000 Gs or ESP), nor has it been, to our knowledge, reported in affected individuals via publications and/or reputable databases/clinical laboratories. Therefore, taking all available lines of evidence into consideration, the variant of interest is classified as a "Variant of Uncertain Significance (VUS)," until additional information becomes available.